The following is an entry in ClinVar:

NM_000132.4(F8):c.6547A>G (p.Met2183Val)

Gene: F8 (coagulation factor VIII; minus strand). Cytogenetic location: Xq28.
Variant type: single nucleotide variant.
Coding change: c.6547A>G on transcript NM_000132.4 (MANE Select); coding-DNA position 6547, A replaced by G.
Protein change: p.Met2183Val; replaces methionine 2183 with valine.
Molecular consequence: missense variant.
Genome position (GRCh38, 1-based): chrX:154,863,110, T>C on the plus strand (A>G on the coding strand, the complement: F8 is on the minus strand). VCF-style: chrX-154863110-T-C. GRCh37 (hg19) VCF-style: chrX-154091385-T-C.
Other names: c.142A>G, p.Met48Val (NM_019863.3); short protein forms M2183V, M48V.
Identifiers: ClinVar variation 626933 (VCV000626933.49), dbSNP rs781797728, ClinGen allele CA414907064.

ClinVar aggregate classification (germline): Pathogenic/Likely pathogenic. Review status: criteria provided, multiple submitters, no conflicts (2 of 4 stars). 5 submissions from 5 submitters: Pathogenic (4); Likely pathogenic (1). Last evaluated 2024-02-22.

Conditions:
Hereditary factor IX deficiency disease (HEMB). Also called: PLASMA THROMBOPLASTIN COMPONENT DEFICIENCY; Christmas Disease; Hemophilia B; F9 DEFICIENCY; FACTOR IX DEFICIENCY. Identifiers: Orphanet 98879, MedGen C0008533, MeSH D002836, MONDO:0010604, OMIM 306900.
Hereditary factor VIII deficiency disease (HEMA). Also called: HEMOPHILIA, CLASSIC; AUTOSOMAL HEMOPHILIA A; Hemophilia A; Hemophilia A, congenital; HEM A; Factor 8 deficiency, congenital. Identifiers: Orphanet 98878, MedGen C0019069, MONDO:0010602, OMIM 306700.

Allele frequency attached by ClinVar (database versions not stated): gnomAD exomes below 0.00001.

Submissions (5):

GeneDx
Classification: Pathogenic. Last evaluated: 2024-02-22. Review status: criteria provided, single submitter. Criteria: GeneDx Variant Classification Process June 2021. Collection method: clinical testing. Allele origin: germline. Affected: yes.
Comment: In silico analysis supports that this missense variant has a deleterious effect on protein structure/function; Not observed at significant frequency in large population cohorts (gnomAD); This variant is associated with the following publications: (PMID: 23926300, 10910913, 10404764, 7579394, 36007526, 19473423, 17901109, 9792405, 17610560, 30046696, 31064749)

Genetics and Molecular Pathology, SA Pathology
Classification: Likely pathogenic for Hereditary factor VIII deficiency disease. Last evaluated: 2022-05-30. Review status: criteria provided, single submitter. Criteria: ACMG Guidelines, 2015. Collection method: clinical testing. Allele origin: germline. Affected: yes.
Comment: The F8 c.6547A>G variant is classified as Likely Pathogenic (PS4_Moderate, PM1_Supporting, PM2, PM5, PP3) The F8 c.6547A>G variant is a single nucleotide change in exon 23/26 of the F8 gene, which is predicted to change the amino acid methionine at position 2183 in the protein to valine. The variant has been reported in probands with a clinical presentation of OMIM:306700 ( Has been reported in unrelated individuals with mild haemophilia A. PMID:23926300, PMID 19473423. Supplementary papers for both publications. ) (PS4_Moderate). This variant is absent from population databases (PM2). This variant is located in the conserved PMID:10910913 protein modelling ( PMID:10910913 protein modelling ) (PM1_supporting). PMID:10910913 - the variant is expected to disrupt the core structure, affecting protein structure/function This variant is a novel missense change at an amino acid residue where a different missense change has been seen before (Missing PM5 Note) (PM5). Computational predictions support a deleterious effect on the gene or gene product (PP3). Additionally, two different variants at this codon (Met2183Lys/M2164K, Met2183Arg/M2164R) are also reported in individuals with hemophilia A (Eckhardt 2013, Liu 2000, Markoff 2009), further supporting the importance of this residue for protein structure/function The variant has been reported in dbSNP (rs781797728) and in the HGMD database: CM980716. It has been reported as Pathogenic by other diagnostic laboratories (ClinVar Variation ID: 626933).

CeGaT Center for Human Genetics Tuebingen
Classification: Pathogenic. Last evaluated: 2021-01-01. Review status: criteria provided, single submitter. Criteria: CeGaT Center For Human Genetics Tuebingen Variant Classification Criteria Version 2. Collection method: clinical testing. Allele origin: germline. Affected: yes. Observed: 2 variant alleles.

ARUP Laboratories, Molecular Genetics and Genomics, ARUP Laboratories
Classification: Pathogenic for Hereditary factor VIII deficiency disease. Last evaluated: 2019-12-04. Review status: criteria provided, single submitter. Criteria: ARUP Molecular Germline Variant Investigation Process. Collection method: clinical testing. Allele origin: germline.
Comment: The F8 c.6547A>G; p.Met2183Val variant, also known as Met2164Val for legacy nomenclature, is reported in the literature in individuals with mild hemophilia A (Eckhardt 2013, Laurie 2007, Markoff 2009, Tavassoli 1998, Waseem 1999), with one observation of the variant occurring de novo (Tavassoli 1998). This variant is reported in ClinVar (Variation ID: 626933). It is absent from general population databases (Exome Variant Server, Genome Aggregation Database), indicating it is not a common polymorphism. The methionine at codon 2183 is highly conserved, and computational analyses (SIFT, PolyPhen-2) predict that this variant is deleterious. Additionally, two different variants at this codon (Met2183Lys/M2164K, Met2183Arg/M2164R) are also reported in individuals with hemophilia A (Eckhardt 2013, Liu 2000, Markoff 2009), further supporting the importance of this residue for protein structure/function. Based on available information, this variant is considered to be pathogenic. REFERENCES Eckhardt CL et al. Factor VIII gene (F8) mutation and risk of inhibitor development in nonsevere hemophilia A. Blood. 2013 Sep 12;122(11):1954-62. Laurie AD et al. The molecular aetiology of haemophilia A in a New Zealand patient group. Haemophilia. 2007 Jul;13(4):420-7. Liu ML et al. Hemophilic factor VIII C1- and C2-domain missense mutations and their modeling to the 1.5-angstrom human C2-domain crystal structure. Blood. 2000 Aug 1;96(3):979-87. Markoff A et al. Combined homology modelling and evolutionary significance evaluation of missense mutations in blood clotting factor VIII to highlight aspects of structure and function. Haemophilia. 2009 Jul;15(4):932-41. Tavassoli K et al. Molecular diagnostics of 15 hemophilia A patients: characterization of eight novel mutations in the factor VIII gene, two of which result in exon skipping. Hum Mutat. 1998;12(5):301-3. Waseem NH et al. Start of UK confidential haemophilia A database: analysis of 142 patients by solid phase fluorescent chemical cleavage of mismatch. Haemophilia Centres. Thromb Haemost. 1999 Jun;81(6):900-5.

NIHR Bioresource Rare Diseases, University of Cambridge
Classification: Pathogenic for Hereditary factor IX deficiency disease. Last evaluated: 2019-02-01. Review status: criteria provided, single submitter. Criteria: ACMG Guidelines, 2015. Collection method: research. Allele origin: unknown. Affected: yes. Observed: 2 hemizygotes. Study: ThromboGenomics.

Literature cited by the submitters: PubMed 10910913 (cited by Genetics and Molecular Pathology, SA Pathology); PubMed 19473423 (cited by Genetics and Molecular Pathology, SA Pathology); PubMed 23926300 (cited by Genetics and Molecular Pathology, SA Pathology); PubMed 31064749 (cited by NIHR Bioresource Rare Diseases, University of Cambridge).